The following is an entry in ClinVar:

NM_001080453.3(INTS1):c.2285C>A (p.Thr762Asn)

Gene: INTS1 (integrator complex subunit 1; minus strand). Cytogenetic location: 7p22.3.
Variant type: single nucleotide variant.
Coding change: c.2285C>A on transcript NM_001080453.3 (MANE Select); coding-DNA position 2285, C replaced by A.
Protein change: p.Thr762Asn; replaces threonine 762 with asparagine.
Molecular consequence: missense variant.
Genome position (GRCh38, 1-based): chr7:1,489,377, G>T on the plus strand (C>A on the coding strand, the complement: INTS1 is on the minus strand). VCF-style: chr7-1489377-G-T. GRCh37 (hg19) VCF-style: chr7-1529013-G-T.
Other names: short protein forms T762N.
Identifiers: ClinVar variation 1804947 (VCV001804947.4), dbSNP rs202096787, ClinGen allele CA4119908.

ClinVar aggregate classification (germline): Uncertain significance. Review status: criteria provided, multiple submitters, no conflicts (2 of 4 stars). 3 submissions from 3 submitters: Uncertain significance (3). Last evaluated 2026-03-18.

Conditions:
Neurodevelopmental disorder with cataracts, poor growth, and dysmorphic facies. Identifiers: MedGen C5231414, MONDO:0032817, OMIM 618571.

Allele frequency attached by ClinVar (database versions not stated): ESP Exome Variant Server 0.00008; gnomAD 0.00011; ExAC 0.00012; TOPMed 0.00012.
gnomAD v4.1: 197 of 1,609,408 alleles (0.012%); highest among the groups gnomAD compares: Non-Finnish European, 0.015%; no homozygotes.

Submissions (3):

Dasa
Classification: Uncertain significance. Last evaluated: 2026-03-18. Review status: criteria provided, single submitter. Criteria: DASA Assertion Criteria. Collection method: clinical testing. Allele origin: germline.
Comment: NM_001080453.3(INTS1):c.2285C>A (p.Thr762Asn) is a missense variant that results in the substitution of threonine with asparagine. This variant is rare in population databases. The currently available literature and clinical evidence are not sufficient to establish a definitive association between this variant and the reported condition. Therefore, this variant is classified as a variant of uncertain significance.

GeneDx
Classification: Uncertain significance. Last evaluated: 2026-03-17. Review status: criteria provided, single submitter. Criteria: GeneDx Variant Classification Process June 2021. Collection method: clinical testing. Allele origin: germline.
Comment: Reported as a heterozygous variant in a fetus with delayed cortical development, agenesis of corpus callosum, and mild ventriculomegaly in the published literature; however, a second variant in INTS1 was not reported (PMID: 39259028); In silico analysis supports that this missense variant has a deleterious effect on protein structure/function; This variant is associated with the following publications: (PMID: 28719003, 26740555, 39259028)

Victorian Clinical Genetics Services, Murdoch Childrens Research Institute
Classification: Uncertain significance for Neurodevelopmental disorder with cataracts, poor growth, and dysmorphic facies. Last evaluated: 2021-05-06. Review status: criteria provided, single submitter. Criteria: ACMG Guidelines, 2015. Collection method: clinical testing. Allele origin: germline. Inheritance: Autosomal recessive inheritance.
Comment: Based on the classification scheme VCGS_Germline_v1.3.4, this variant is classified as VUS-3B. Following criteria are met: 0102 - Loss of function is a known mechanism of disease in this gene and is associated with neurodevelopmental disorder with cataracts, poor growth, and dysmorphic facies (MIM#618571). (I) 0106 - This gene is associated with autosomal recessive disease. (I) 0200 - Variant is predicted to result in a missense amino acid change from threonine to asparagine. (I) 0251 - This variant is heterozygous. (I) 0304 - Variant is present in gnomAD (v2) <0.01 for a recessive condition (27 heterozygotes, 0 homozygotes). (SP) 0309 - An alternative amino acid change at the same position has been observed in gnomAD (v2) (1 heterozygote, 0 homozygotes). (I) 0502 - Missense variant with conflicting in silico predictions and uninformative conservation. (I) 0604 - Variant is not located in an established domain, motif, hotspot or informative constraint region. (I) 0705 - No comparable missense variants have previous evidence for pathogenicity. (I) 0807 - This variant has no previous evidence of pathogenicity. (I) 0905 - No published segregation evidence has been identified for this variant. (I) 1007 - No published functional evidence has been identified for this variant. (I) Legend: (SP) - Supporting pathogenic, (I) - Information, (SB) - Supporting benign